The following is an entry in ClinVar:

ClinVar aggregate classification (germline): Uncertain significance (1 of 4 stars; one submission).

Conditions:
Neurodevelopmental disorder with or without early-onset generalized epilepsy. Identifiers: MedGen C5436914, MONDO:0030930, OMIM 619157.

Allele frequency attached by ClinVar (database versions not stated): 1000 Genomes Project 30x 0.00016.

Submission:

Victorian Clinical Genetics Services, Murdoch Childrens Research Institute
Classification: Uncertain significance for Neurodevelopmental disorder with or without early-onset generalized epilepsy. Last evaluated: 2021-05-06. Review status: criteria provided, single submitter. Criteria: ACMG Guidelines, 2015. Collection method: clinical testing. Allele origin: germline. Inheritance: Autosomal dominant inheritance.
Comment: Based on the classification scheme VCGS_Germline_v1.3.4, this variant is classified as VUS-3B. Following criteria are met: 0102 - Loss of function is a known mechanism of disease in this gene and is associated with NBEA-related neurodevelopmental disorder. (I) 0107 - This gene is associated with autosomal dominant disease. (I) 0200 - Variant is predicted to result in a missense amino acid change from tyrosine to serine. (I) 0256 - Zygosity of this variant could not be unambiguously determined. Low allele fraction with strand bias have been observed for this variant (IGV). (I) 0301 - Variant is absent from gnomAD (both v2 and v3). (SP) 0309 - An alternative amino acid change at the same position has been observed in gnomAD (v3) (3 heterozygotes, 0 homozygotes). (I) 0504 - Same amino acid change has been observed in placental mammals. (SB) 0600 - Variant is located in the annotated BEACH domain (NCBI, Uniprot). (I) 0705 - No comparable missense variants have previous evidence for pathogenicity. (I) 0807 - This variant has no previous evidence of pathogenicity. (I) 0905 - No published segregation evidence has been identified for this variant. (I) 1007 - No published functional evidence has been identified for this variant. (I) 1208 - Inheritance information for this variant is not currently available in this individual. (I) Legend: (SP) - Supporting pathogenic, (I) - Information, (SB) - Supporting benign

NM_001385012.1(NBEA):c.7118A>C (p.Tyr2373Ser)

Gene: NBEA (neurobeachin; plus strand). Cytogenetic location: 13q13.3.
Variant type: single nucleotide variant.
Coding change: c.7118A>C on transcript NM_001385012.1 (MANE Select); coding-DNA position 7118, A replaced by C.
Protein change: p.Tyr2373Ser; replaces tyrosine 2373 with serine.
Molecular consequence: missense variant.
Genome position (GRCh38, 1-based): chr13:35,583,980, A>C. VCF-style: chr13-35583980-A-C. GRCh37 (hg19) VCF-style: chr13-36158117-A-C.
Other names: c.497A>C, p.Tyr166Ser (NM_001204197.3); c.7109A>C, p.Tyr2370Ser (NM_001379245.1); c.7118A>C, p.Tyr2373Ser (NM_015678.5); short protein forms Y166S, Y2370S, Y2373S.
Identifiers: ClinVar variation 3254574 (VCV003254574.1), dbSNP rs2081175229.